The following is an entry in ClinVar:

NM_153704.6(TMEM67):c.1913T>A (p.Phe638Tyr)

Gene: TMEM67 (transmembrane protein 67; plus strand). Cytogenetic location: 8q22.1.
Variant type: single nucleotide variant.
Coding change: c.1913T>A on transcript NM_153704.6 (MANE Select); coding-DNA position 1913, T replaced by A.
Protein change: p.Phe638Tyr; replaces phenylalanine 638 with tyrosine.
Molecular consequence: missense variant. On other transcripts: non-coding transcript variant (1).
Genome position (GRCh38, 1-based): chr8:93,797,186, T>A. VCF-style: chr8-93797186-T-A. GRCh37 (hg19) VCF-style: chr8-94809414-T-A.
Other names: c.1670T>A, p.Phe557Tyr (NM_001142301.1); short protein forms F557Y, F638Y.
Identifiers: ClinVar variation 1431873 (VCV001431873.8), dbSNP rs2130734310, ClinGen allele CA371693296.
Genomic context (GRCh38, chr8:93,797,186, plus strand): 5'-ATTCTCAGGCACTACAATTTTTGCATAAGCTCATATCCCAGATTACAATAGATGTATTCT[T>A]TATTGATTGGGAGCGACCTAAAGGAAAGGTTCTTAAAGCTGTTGAAGGTAACTGAAATAA-3'
Protein context (NP_714915.3, residues 628-648): LISQITIDVF[Phe638Tyr]IDWERPKGKV

ClinVar aggregate classification (germline): Uncertain significance (1 of 4 stars; one submission).

Conditions:
Joubert syndrome. Also called: CEREBELLOPARENCHYMAL DISORDER IV; JOUBERT-BOLTSHAUSER SYNDROME; Familial aplasia of the vermis. Identifiers: Orphanet 475, MedGen C5979921, MONDO:0018772.
Meckel-Gruber syndrome. Also called: DYSENCEPHALIA SPLANCHNOCYSTICA; GRUBER SYNDROME; Dysencephalia splachnocystica. Identifiers: Orphanet 564, MedGen C0265215, MONDO:0018921.

Submission:

Labcorp Genetics (formerly Invitae), Labcorp
Classification: Uncertain significance for Joubert syndrome; Meckel-Gruber syndrome. Last evaluated: 2021-04-15. Review status: criteria provided, single submitter. Criteria: Invitae Variant Classification Sherloc (09022015). Collection method: clinical testing. Allele origin: germline.
Comment: In summary, the available evidence is currently insufficient to determine the role of this variant in disease. Therefore, it has been classified as a Variant of Uncertain Significance. Advanced modeling of protein sequence and biophysical properties (such as structural, functional, and spatial information, amino acid conservation, physicochemical variation, residue mobility, and thermodynamic stability) performed at Invitae indicates that this missense variant is expected to disrupt TMEM67 protein function. This variant has not been reported in the literature in individuals with TMEM67-related conditions. This variant is not present in population databases (ExAC no frequency). This sequence change replaces phenylalanine with tyrosine at codon 638 of the TMEM67 protein (p.Phe638Tyr). The phenylalanine residue is highly conserved and there is a small physicochemical difference between phenylalanine and tyrosine.